The following is an entry in ClinVar:

NM_021098.3(CACNA1H):c.908C>T (p.Ser303Leu)

Gene: CACNA1H (calcium voltage-gated channel subunit alpha1 H; plus strand). Cytogenetic location: 16p13.3.
Variant type: single nucleotide variant.
Coding change: c.908C>T on transcript NM_021098.3 (MANE Select); coding-DNA position 908, C replaced by T.
Protein change: p.Ser303Leu; replaces serine 303 with leucine.
Molecular consequence: missense variant.
Genome position (GRCh38, 1-based): chr16:1,200,360, C>T. VCF-style: chr16-1200360-C-T. GRCh37 (hg19) VCF-style: chr16-1250360-C-T.
Other names: c.908C>T, p.Ser303Leu (NM_001005407.2); short protein forms S303L.
Identifiers: ClinVar variation 383550 (VCV000383550.2), dbSNP rs867008505, ClinGen allele CA16607227.
Genomic context (GRCh38, chr16:1,200,360, plus strand): 5'-AGGGCGAGGAGAACCCGTTCATCTGCTCCTCACGCCGAGACAACGGCATGCAGAAGTGCT[C>T]GCACATCCCCGGCCGCCGCGAGCTGCGCATGCCCTGCACCCTGGGCTGGGAGGCCTACAC-3'
Protein context (NP_066921.2, residues 293-313): SRRDNGMQKC[Ser303Leu]HIPGRRELRM

ClinVar aggregate classification (germline): Uncertain significance (1 of 4 stars; one submission).

Allele frequency attached by ClinVar (database versions not stated): gnomAD exomes below 0.00001; TOPMed 0.00002; gnomAD 0.00003 and 0.00004.
gnomAD v4.1: 19 of 1,598,924 alleles (0.0012%); highest among the groups gnomAD compares: African/African-American, 0.0027%; no homozygotes.

Submission:

GeneDx
Classification: Uncertain significance. Last evaluated: 2017-07-18. Review status: criteria provided, single submitter. Criteria: GeneDx Variant Classification (06012015). Collection method: clinical testing. Allele origin: germline. Affected: yes.
Comment: The S303L variant in the CACNA1H gene has not been reported previously as a pathogenic variant, nor as a benign variant, to our knowledge. The S303L variant was not observed in approximately 6200 individuals of European and African American ancestry in the NHLBI Exome Sequencing Project, indicating it is not a common benign variant in these populations. The S303L variant is a non-conservative amino acid substitution, which is likely to impact secondary protein structure as these residues differ in polarity, charge, size and/or other properties. This substitution occurs at a position that is conserved in mammals, however, in silico analysis is inconsistent in its predictions as to whether or not the variant is damaging to the protein structure/function. Therefore, we interpret S303L as a variant of uncertain significance.